The following is an entry in ClinVar:

ClinVar aggregate classification (germline): Uncertain significance (1 of 4 stars; one submission).

Conditions:
Autosomal recessive limb-girdle muscular dystrophy type 2J (LGMDR10). Also called: Limb-girdle muscular dystrophy, type 2J; MUSCULAR DYSTROPHY, LIMB-GIRDLE, AUTOSOMAL RECESSIVE 10. Identifiers: Orphanet 140922, MedGen C1837342, MONDO:0012127, OMIM 608807.
Dilated cardiomyopathy 1G (CMD1G). Identifiers: Orphanet 154, MedGen C1858763, MONDO:0011400, OMIM 604145.

Allele frequency attached by ClinVar (database versions not stated): ExAC 0.00003.
gnomAD v4.1: 6 of 1,595,930 alleles (0.00038%); highest among the groups gnomAD compares: Non-Finnish European, 0.00043%; no homozygotes.

Submission:

Labcorp Genetics (formerly Invitae), Labcorp
Classification: Uncertain significance for Dilated cardiomyopathy 1G; Autosomal recessive limb-girdle muscular dystrophy type 2J. Last evaluated: 2025-12-09. Review status: criteria provided, single submitter. Criteria: Invitae Variant Classification Sherloc (09022015). Collection method: clinical testing. Allele origin: germline.
Comment: This sequence change falls in intron 356 of the TTN gene. It does not directly change the encoded amino acid sequence of the TTN protein. It affects a nucleotide within the consensus splice site. This variant is present in population databases (rs757318646, gnomAD 0.002%). This variant has not been reported in the literature in individuals affected with TTN-related conditions. ClinVar contains an entry for this variant (Variation ID: 2932192). Variants that disrupt the consensus splice site are a relatively common cause of aberrant splicing (PMID: 17576681, 9536098). Algorithms developed to predict the effect of sequence changes on RNA splicing suggest that this variant is not likely to affect RNA splicing. This variant is located in the A band of TTN (PMID: 25589632). Variants in this region may be relevant for cardiac or neuromuscular disorders (PMID: 25589632, 23975875). In summary, the available evidence is currently insufficient to determine the role of this variant in disease. Therefore, it has been classified as a Variant of Uncertain Significance.

Literature cited by the submitters: PubMed 17576681; PubMed 9536098; PubMed 25589632; PubMed 23975875.

NM_001267550.2(TTN):c.100171+3G>A

Genes: TTN (titin; minus strand), TTN-AS1 (TTN antisense RNA 1; plus strand), LOC126806420 (BRD4-independent group 4 enhancer GRCh37_chr2:179401104-179402303; plus strand). Cytogenetic location: 2q31.2.
Variant type: single nucleotide variant.
Coding change: c.100171+3G>A on transcript NM_001267550.2 (MANE Select); 3 bases into the intron after coding-DNA position 100171, G replaced by A.
Molecular consequence: intron variant.
Genome position (GRCh38, 1-based): chr2:178,536,935, C>T on the plus strand (G>A on the coding strand, the complement: TTN is on the minus strand). VCF-style: chr2-178536935-C-T. GRCh37 (hg19) VCF-style: chr2-179401662-C-T.
Other names: c.72976+3G>A (NM_003319.4); c.73552+3G>A (NM_133437.4); c.73351+3G>A (NM_133432.3); c.92467+3G>A (NM_133378.4); c.95248+3G>A (NM_001256850.1).
Identifiers: ClinVar variation 2932192 (VCV002932192.3), dbSNP rs757318646, ClinGen allele CA1986075.
Genomic context (GRCh38, chr2:178,536,935, plus strand): 5'-AAAGAATTTTATGCAAAGATGGAACTTTACCATAGGAAGATACAGAAATCAAGTTGTACT[C>T]ACCAAATGGACTCTTAATGATCACAACTGAGGACACTTCTAGAGGGTCACTGATGCCGAA-3'